The following is an entry in ClinVar:

ClinVar aggregate classification (germline): Uncertain significance. Review status: criteria provided, multiple submitters, no conflicts (2 of 4 stars). 2 submissions from 2 submitters: Uncertain significance (2). Last evaluated 2025-07-20.

Allele frequency attached by ClinVar (database versions not stated): gnomAD exomes 0.00001.
gnomAD v4.1: 3 of 1,614,112 alleles (0.00019%); highest among the groups gnomAD compares: Non-Finnish European, 0.00025%; no homozygotes.

Submissions (2):

Ambry Genetics
Classification: Uncertain significance. Last evaluated: 2025-07-20. Review status: criteria provided, single submitter. Criteria: Ambry Variant Classification Scheme 2023. Collection method: clinical testing. Allele origin: germline.
Comment: The p.S753A variant (also known as c.2257T>G), located in coding exon 1 of the MLH3 gene, results from a T to G substitution at nucleotide position 2257. The serine at codon 753 is replaced by alanine, an amino acid with similar properties. This amino acid position is conserved. In addition, this alteration is predicted to be tolerated by in silico analysis. Since supporting evidence is limited at this time, the clinical significance of this alteration remains unclear.

Mayo Clinic Laboratories, Mayo Clinic
Classification: Uncertain significance. Last evaluated: 2024-05-02. Review status: criteria provided, single submitter. Criteria: ACMG Guidelines, 2015. Collection method: clinical testing. Allele origin: germline. Observed: 1 variant allele.
Comment: BP4, PM2

NM_001040108.2(MLH3):c.2257T>G (p.Ser753Ala)

Gene: MLH3 (mutL homolog 3; minus strand). Cytogenetic location: 14q24.3.
Variant type: single nucleotide variant.
Coding change: c.2257T>G on transcript NM_001040108.2 (MANE Select); coding-DNA position 2257, T replaced by G.
Protein change: p.Ser753Ala; replaces serine 753 with alanine.
Molecular consequence: missense variant.
Genome position (GRCh38, 1-based): chr14:75,047,399, A>C on the plus strand (T>G on the coding strand, the complement: MLH3 is on the minus strand). VCF-style: chr14-75047399-A-C. GRCh37 (hg19) VCF-style: chr14-75514102-A-C.
Other names: p.Ser753Ala; c.2257T>G, p.Ser753Ala (NM_014381.3); short protein forms S753A.
Identifiers: ClinVar variation 2563570 (VCV002563570.4), dbSNP rs2503274563, ClinGen allele CA390441103.